The following is an entry in ClinVar:

NM_144687.4(NLRP12):c.1340C>T (p.Pro447Leu)

Gene: NLRP12 (NLR family pyrin domain containing 12; minus strand). Cytogenetic location: 19q13.42.
Variant type: single nucleotide variant.
Coding change: c.1340C>T on transcript NM_144687.4 (MANE Select); coding-DNA position 1340, C replaced by T.
Protein change: p.Pro447Leu; replaces proline 447 with leucine.
Molecular consequence: missense variant.
Genome position (GRCh38, 1-based): chr19:53,810,319, G>A on the plus strand (C>T on the coding strand, the complement: NLRP12 is on the minus strand). VCF-style: chr19-53810319-G-A. GRCh37 (hg19) VCF-style: chr19-54313573-G-A.
Other names: c.1340C>T, p.Pro447Leu (NM_001277126.2, NM_001277129.1); short protein forms P447L.
Identifiers: ClinVar variation 1694392 (VCV001694392.6), dbSNP rs773565080, ClinGen allele CA9639450.

ClinVar aggregate classification (germline): Uncertain significance. Review status: criteria provided, multiple submitters, no conflicts (2 of 4 stars). 2 submissions from 2 submitters: Uncertain significance (2). Last evaluated 2025-04-21.

Conditions:
Autoinflammatory syndrome. Identifiers: Orphanet 93665, MedGen C3890737, MONDO:0019751.
Familial cold autoinflammatory syndrome 2 (FCAS2). Identifiers: Orphanet 247868, MedGen C2673198, MONDO:0012724, OMIM 611762.

Allele frequency attached by ClinVar (database versions not stated): ExAC 0.00001.

Submissions (2):

Labcorp Genetics (formerly Invitae), Labcorp
Classification: Uncertain significance for Familial cold autoinflammatory syndrome 2. Last evaluated: 2025-04-21. Review status: criteria provided, single submitter. Criteria: Invitae Variant Classification Sherloc (09022015). Collection method: clinical testing. Allele origin: germline.
Comment: This sequence change replaces proline, which is neutral and non-polar, with leucine, which is neutral and non-polar, at codon 447 of the NLRP12 protein (p.Pro447Leu). This variant is present in population databases (rs773565080, gnomAD 0.008%). This variant has not been reported in the literature in individuals affected with NLRP12-related conditions. ClinVar contains an entry for this variant (Variation ID: 1694392). Invitae Evidence Modeling of protein sequence and biophysical properties (such as structural, functional, and spatial information, amino acid conservation, physicochemical variation, residue mobility, and thermodynamic stability) indicates that this missense variant is not expected to disrupt NLRP12 protein function with a negative predictive value of 80%. In summary, the available evidence is currently insufficient to determine the role of this variant in disease. Therefore, it has been classified as a Variant of Uncertain Significance.

Genome Diagnostics Laboratory, The Hospital for Sick Children
Classification: Uncertain significance for Autoinflammatory syndrome. Last evaluated: 2022-01-21. Review status: criteria provided, single submitter. Criteria: ACMG Guidelines, 2015. Collection method: clinical testing. Allele origin: germline. Affected: yes.